The following is an entry in ClinVar:

ClinVar aggregate classification (germline): Likely pathogenic (1 of 4 stars; one submission).

Conditions:
Opsismodysplasia (OPSMD). Also called: INPPL1-Related Opsismodysplasia. Identifiers: Orphanet 2746, MedGen C0432219, MONDO:0009785, OMIM 258480.

Submission:

Dasa
Classification: Likely pathogenic for Opsismodysplasia. Last evaluated: 2022-02-05. Review status: criteria provided, single submitter. Criteria: ACMG Guidelines, 2015. Collection method: clinical testing. Allele origin: germline. Affected: yes. Observed: 1 variant allele.
Comment: The c.24_39del;p.(Gly9Trpfs*13) is a null frameshift variant (NMD) in the INPPL1 gene and predicts alteration of the nonsense-mediate decay - NMD is present in a relevant exon to the transcript - PVS1. This variant is not present in population databases (rs878853119, gnomAD; ABraOM no frequency) - PM2. In summary, the currently available evidence indicates that the variant is likely pathogenic.

NM_001567.4(INPPL1):c.24_39del (p.Gly9fs)

Genes: INPPL1 (inositol polyphosphate phosphatase like 1; plus strand), LOC130006327 (ATAC-STARR-seq lymphoblastoid silent region 3716; plus strand). Cytogenetic location: 11q13.4.
Variant type: Deletion.
Coding change: c.24_39del on transcript NM_001567.4 (MANE Select); coding-DNA positions 24 to 39, 16 bases deleted (GGGCCCGGGGGGCGCC).
Protein change: p.Gly9fs; shifts the reading frame from glycine 9.
Molecular consequence: frameshift variant.
Genome position (GRCh38, 1-based): chr11:72,225,008-72,225,023, GGGCCCGGGGGGCGCC deleted; deleting any 16 consecutive bases within chr11:72,225,000-72,225,023 gives the same sequence; the c. name uses the placement nearest the transcript's 3' end. VCF-style (leftmost placement, unchanged base first): chr11-72224999-CGGGGCGCCGGGCCCGG-C. GRCh37 (hg19) VCF-style: chr11-71936043-CGGGGCGCCGGGCCCGG-C.
Other names: short protein forms G9fs.
Identifiers: ClinVar variation 242401 (VCV000242401.4), dbSNP rs878853119, ClinGen allele CA10581437.